The following is an entry in ClinVar:

NM_000465.4(BARD1):c.1819GTT[2] (p.Val609del)

Gene: BARD1 (BRCA1 associated RING domain 1; minus strand). Cytogenetic location: 2q35.
Variant type: Microsatellite.
Coding change: c.1819GTT[2] on transcript NM_000465.4 (MANE Select); two copies in a row of the 3-base unit GTT starting at c.1819; the reference has three copies in a row; one copy, 3 bases deleted; also written c.1825_1827del.
Protein change: p.Val609del; deletes valine 609.
Molecular consequence: inframe deletion. On other transcripts: non-coding transcript variant (3), intron variant (1).
Genome position (GRCh38, 1-based): chr2:214,745,143-214,745,145, AAC deleted on the plus strand (GTT on the coding strand, the reverse complement: BARD1 is on the minus strand); deleting any 3 consecutive bases within chr2:214,745,143-214,745,152 gives the same sequence; the position shown is the placement nearest the transcript's 3' end. VCF-style (leftmost placement, unchanged base first): chr2-214745142-GAAC-G. GRCh37 (hg19) VCF-style: chr2-215609866-GAAC-G.
Other names: c.1825_1827del (NM_000465.3); c.1762GTT[2], p.Val590del (NM_001282543.2); c.466GTT[2], p.Val158del (NM_001282545.2); c.409GTT[2], p.Val139del (NM_001282548.2); c.365-14643GTT[2] (NM_001282549.2); c.1825_1827delGTT (NM_000465.2); short protein forms V609del, V139del, V158del, V590del.
Identifiers: ClinVar variation 482815 (VCV000482815.19), dbSNP rs927014703, ClinGen allele CA64802371.

ClinVar aggregate classification (germline): Uncertain significance. Review status: criteria provided, multiple submitters, no conflicts (2 of 4 stars). 5 submissions from 5 submitters: Uncertain significance (5). Last evaluated 2024-11-17.

Conditions:
Hereditary breast ovarian cancer syndrome. Also called: Hereditary breast and ovarian cancer syndrome; Hereditary breast and ovarian cancer; Hereditary breast and ovarian cancer syndrome (HBOC); Breast and ovarian cancer; Hereditary breast and/or ovarian cancer syndrome; BRCA1- and BRCA2-Associated Hereditary Breast and Ovarian Cancer. Identifiers: Orphanet 145, MedGen C0677776, MeSH D061325, MONDO:0003582. Disease mechanism: loss of function.
Hereditary cancer-predisposing syndrome. Also called: Neoplastic Syndromes, Hereditary; Tumor predisposition; Hereditary Cancer Syndrome; Hereditary neoplastic syndrome. Identifiers: Orphanet 140162, MedGen C0027672, MeSH D009386, MONDO:0015356.
Familial cancer of breast. Also called: BREAST CANCER, FAMILIAL; Hereditary breast cancer; hereditary breast carcinoma. Identifiers: Orphanet 227535, MedGen C0346153, MONDO:0016419, OMIM 114480. Disease mechanism: loss of function.

Submissions (5):

Labcorp Genetics (formerly Invitae), Labcorp
Classification: Uncertain significance for Familial cancer of breast. Last evaluated: 2024-11-17. Review status: criteria provided, single submitter. Criteria: Invitae Variant Classification Sherloc (09022015). Collection method: clinical testing. Allele origin: germline.
Comment: This variant, c.1825_1827del, results in the deletion of 1 amino acid(s) of the BARD1 protein (p.Val609del), but otherwise preserves the integrity of the reading frame. This variant is not present in population databases (gnomAD no frequency). This variant has not been reported in the literature in individuals affected with BARD1-related conditions. ClinVar contains an entry for this variant (Variation ID: 482815). Experimental studies and prediction algorithms are not available or were not evaluated, and the functional significance of this variant is currently unknown. In summary, the available evidence is currently insufficient to determine the role of this variant in disease. Therefore, it has been classified as a Variant of Uncertain Significance.

Ambry Genetics
Classification: Uncertain significance for Hereditary cancer-predisposing syndrome. Last evaluated: 2024-01-03. Review status: criteria provided, single submitter. Criteria: Ambry Variant Classification Scheme 2023. Collection method: clinical testing. Allele origin: germline.
Comment: The c.1825_1827delGTT variant (also known as p.V609del) is located in coding exon 9 of the BARD1 gene. This variant results from an in-frame GTT deletion at nucleotide positions 1825 to 1827. This results in the in-frame deletion of a valine at codon 609. This amino acid position is well conserved in available vertebrate species. In addition, this alteration is predicted to be deleterious by in silico analysis (Choi Y et al. PLoS ONE. 2012; 7(10):e46688). Since supporting evidence is limited at this time, the clinical significance of this alteration remains unclear.

GeneDx
Classification: Uncertain significance. Last evaluated: 2023-01-12. Review status: criteria provided, single submitter. Criteria: GeneDx Variant Classification Process June 2021. Collection method: clinical testing. Allele origin: germline. Affected: yes.
Comment: In-frame deletion of 1 amino acid in a non-repeat region; Not observed at significant frequency in large population cohorts (gnomAD); In silico analysis supports a deleterious effect on protein structure/function; Has not been previously published as pathogenic or benign to our knowledge; Located in the critical BRCT1 domain (Birrane et al., 2007); This variant is associated with the following publications: (PMID: 17550235, 32566746)

Women's Health and Genetics/Laboratory Corporation of America, LabCorp
Classification: Uncertain significance. Last evaluated: 2022-05-02. Review status: criteria provided, single submitter. Criteria: LabCorp Variant Classification Summary - May 2015. Collection method: clinical testing. Allele origin: germline.
Comment: Variant summary: BARD1 c.1825_1827delGTT (p.Val609del) results in an in-frame deletion that is predicted to remove one amino acids from the encoded protein. The variant was absent in 251038 control chromosomes. The available data on variant occurrences in the general population are insufficient to allow any conclusion about variant significance. To our knowledge, no occurrence of c.1825_1827delGTT in individuals affected with Hereditary Breast And Ovarian Cancer Syndrome and no experimental evidence demonstrating its impact on protein function have been reported. Four clinical diagnostic laboratories have submitted clinical-significance assessments for this variant to ClinVar after 2014 without evidence for independent evaluation. All laboratories classified the variant as uncertain significance. Based on the evidence outlined above, the variant was classified as uncertain significance.

Cancer Genomics Group, Japanese Foundation For Cancer Research
Classification: Uncertain significance for Hereditary breast and ovarian cancer syndrome. Last evaluated: 2019-05-01. Review status: criteria provided, single submitter. Criteria: ACMG Guidelines, 2015. Collection method: research. Allele origin: germline. Affected: yes.